The following is an entry in ClinVar:

NM_021620.4(PRDM13):c.1074G>T (p.Ala358=)

Genes: PRDM13 (PR/SET domain 13; plus strand), LOC129996881 (ATAC-STARR-seq lymphoblastoid silent region 17422; plus strand). Cytogenetic location: 6q16.2.
Variant type: single nucleotide variant.
Coding change: c.1074G>T on transcript NM_021620.4 (MANE Select); coding-DNA position 1074, G replaced by T.
Protein change: p.Ala358=; no amino-acid change (alanine 358 retained).
Molecular consequence: synonymous variant.
Genome position (GRCh38, 1-based): chr6:99,613,709, G>T. VCF-style: chr6-99613709-G-T. GRCh37 (hg19) VCF-style: chr6-100061585-G-T.
Other names: c.1074G>T (NM_021620.3).
Identifiers: ClinVar variation 1118054 (VCV001118054.11), dbSNP rs1003079505, ClinGen allele CA143975436.

ClinVar aggregate classification (germline): Likely benign. Review status: criteria provided, multiple submitters, no conflicts (2 of 4 stars). 3 submissions from 3 submitters: Likely benign (3). Last evaluated 2025-12-31.

Conditions:
PRDM13-related disorder. Also called: PRDM13-related condition.

Allele frequency attached by ClinVar (database versions not stated): gnomAD 0.00016; TOPMed 0.00018.

Submissions (3):

PreventionGenetics, part of Exact Sciences
Classification: Likely benign for PRDM13-related condition. Last evaluated: 2025-12-31. Review status: criteria provided, single submitter. Criteria: ACMG Guidelines, 2015. Collection method: clinical testing. Allele origin: germline.
Comment: This variant is classified as likely benign based on ACMG/AMP sequence variant interpretation guidelines (Richards et al. 2015 PMID: 25741868, with internal and published modifications).

Labcorp Genetics (formerly Invitae), Labcorp
Classification: Likely benign. Last evaluated: 2025-09-15. Review status: criteria provided, single submitter. Criteria: Invitae Variant Classification Sherloc (09022015). Collection method: clinical testing. Allele origin: germline.

Blueprint Genetics
Classification: Likely benign. Last evaluated: 2024-11-26. Review status: criteria provided, single submitter. Criteria: ACMG Guidelines, 2015. Collection method: clinical testing. Allele origin: germline.